The following is an entry in ClinVar:

ClinVar aggregate classification (germline): Uncertain significance. Review status: criteria provided, multiple submitters, no conflicts (2 of 4 stars). 7 submissions from 6 submitters: Uncertain significance (7). Last evaluated 2025-09-26.

Conditions:
KIF14-related disorder. Also called: KIF14-related condition.
Inborn genetic diseases. Identifiers: MedGen C0950123, MeSH D030342.
Microcephaly 20, primary, autosomal recessive. Identifiers: MedGen C4693572, MONDO:0054761, OMIM 617914.
Lethal fetal cerebrorenogenitourinary agenesis/hypoplasia syndrome. Also called: Meckel syndrome 12. Identifiers: Orphanet 439897, MedGen C4015701, MONDO:0014552, OMIM 616258.

Allele frequency attached by ClinVar (database versions not stated): gnomAD exomes 0.00001 and 0.00002; ExAC 0.00002; gnomAD 0.00007 and 0.00008; TOPMed 0.00011; ESP Exome Variant Server 0.00015.
gnomAD v4.1: 23 of 1,613,646 alleles (0.0014%); highest among the groups gnomAD compares: African/African-American, 0.025%; no homozygotes.

Submissions (7):

Ambry Genetics
Classification: Uncertain significance for Inborn genetic diseases. Last evaluated: 2025-09-26. Review status: criteria provided, single submitter. Criteria: Ambry Variant Classification Scheme 2023. Collection method: clinical testing. Allele origin: germline.

Labcorp Genetics (formerly Invitae), Labcorp
Classification: Uncertain significance. Last evaluated: 2025-05-15. Review status: criteria provided, single submitter. Criteria: Invitae Variant Classification Sherloc (09022015). Collection method: clinical testing. Allele origin: germline.
Comment: This sequence change replaces methionine, which is neutral and non-polar, with valine, which is neutral and non-polar, at codon 383 of the KIF14 protein (p.Met383Val). This variant is present in population databases (rs371446188, gnomAD 0.02%). This variant has not been reported in the literature in individuals affected with KIF14-related conditions. ClinVar contains an entry for this variant (Variation ID: 1033305). An algorithm developed to predict the effect of missense changes on protein structure and function (PolyPhen-2) suggests that this variant is likely to be tolerated. In summary, the available evidence is currently insufficient to determine the role of this variant in disease. Therefore, it has been classified as a Variant of Uncertain Significance.

Baylor Genetics
Classification: Uncertain significance for Microcephaly 20, primary, autosomal recessive. Last evaluated: 2024-01-14. Review status: criteria provided, single submitter. Criteria: ACMG Guidelines, 2015. Collection method: clinical testing. Allele origin: unknown.

Daryl Scott Lab, Baylor College of Medicine
Classification: Uncertain significance for KIF14-related disorder. Last evaluated: 2024-01-01. Review status: criteria provided, single submitter. Criteria: ACMG Guidelines, 2015. Collection method: clinical testing. Allele origin: unknown. Observed: 1 heterozygote.
Comment: PM2

GeneDx
Classification: Uncertain significance. Last evaluated: 2023-07-20. Review status: criteria provided, single submitter. Criteria: GeneDx Variant Classification Process June 2021. Collection method: clinical testing. Allele origin: germline. Affected: yes.
Comment: In silico analysis supports that this missense variant does not alter protein structure/function; Has not been previously published as pathogenic or benign to our knowledge

PreventionGenetics, part of Exact Sciences
Classification: Uncertain significance for KIF14-related condition. Last evaluated: 2023-01-10. Review status: criteria provided, single submitter. Criteria: ACMG Guidelines, 2015. Collection method: clinical testing. Allele origin: germline.
Comment: The KIF14 c.1147A>G variant is predicted to result in the amino acid substitution p.Met383Val. To our knowledge, this variant has not been reported in the literature. This variant is reported in 0.024% of alleles in individuals of African descent in gnomAD. At this time, the clinical significance of this variant is uncertain due to the absence of conclusive functional and genetic evidence.

Baylor Genetics
Classification: Uncertain significance for Lethal fetal cerebrorenogenitourinary agenesis/hypoplasia syndrome. Last evaluated: 2018-05-27. Review status: criteria provided, single submitter. Criteria: ACMG Guidelines, 2015. Collection method: clinical testing. Allele origin: unknown. Affected: yes.
Comment: This variant was determined to be of uncertain significance according to ACMG Guidelines, 2015 [PMID:25741868].

NM_014875.3(KIF14):c.1147A>G (p.Met383Val)

Gene: KIF14 (kinesin family member 14; minus strand). Cytogenetic location: 1q32.1.
Variant type: single nucleotide variant.
Coding change: c.1147A>G on transcript NM_014875.3 (MANE Select); coding-DNA position 1147, A replaced by G.
Protein change: p.Met383Val; replaces methionine 383 with valine.
Molecular consequence: missense variant. On other transcripts: 5 prime UTR variant (1).
Genome position (GRCh38, 1-based): chr1:200,615,575, T>C on the plus strand (A>G on the coding strand, the complement: KIF14 is on the minus strand). VCF-style: chr1-200615575-T-C. GRCh37 (hg19) VCF-style: chr1-200584703-T-C.
Other names: c.-239A>G (NM_001305792.1); short protein forms M383V.
Identifiers: ClinVar variation 1033305 (VCV001033305.9), dbSNP rs371446188, ClinGen allele CA1317893.